The following is an entry in ClinVar:

ClinVar aggregate classification (germline): Uncertain significance (1 of 4 stars; one submission).

Conditions:
Infantile-onset X-linked spinal muscular atrophy. Also called: Spinal Muscular Atrophy, X-Linked Infantile; Spinal muscular atrophy, X-linked 2; AMC, DISTAL, X-LINKED; ARTHROGRYPOSIS, X-LINKED, TYPE I; SPINAL MUSCULAR ATROPHY, X-LINKED LETHAL INFANTILE. Identifiers: Orphanet 1145, MedGen C1844934, MONDO:0010532, OMIM 301830.

Allele frequency attached by ClinVar (database versions not stated): TOPMed 0.00002.

Submission:

Labcorp Genetics (formerly Invitae), Labcorp
Classification: Uncertain significance for Infantile-onset X-linked spinal muscular atrophy. Last evaluated: 2023-02-03. Review status: criteria provided, single submitter. Criteria: Invitae Variant Classification Sherloc (09022015). Collection method: clinical testing. Allele origin: germline.
Comment: This variant is not present in population databases (gnomAD no frequency). This variant has not been reported in the literature in individuals affected with UBA1-related conditions. Algorithms developed to predict the effect of missense changes on protein structure and function (SIFT, PolyPhen-2, Align-GVGD) all suggest that this variant is likely to be tolerated. In summary, the available evidence is currently insufficient to determine the role of this variant in disease. Therefore, it has been classified as a Variant of Uncertain Significance. This sequence change replaces methionine, which is neutral and non-polar, with valine, which is neutral and non-polar, at codon 418 of the UBA1 protein (p.Met418Val).

NM_003334.4(UBA1):c.1252A>G (p.Met418Val)

Gene: UBA1 (ubiquitin like modifier activating enzyme 1; plus strand). Cytogenetic location: Xp11.3.
Variant type: single nucleotide variant.
Coding change: c.1252A>G on transcript NM_003334.4 (MANE Select); coding-DNA position 1252, A replaced by G.
Protein change: p.Met418Val; replaces methionine 418 with valine.
Molecular consequence: missense variant.
Genome position (GRCh38, 1-based): chrX:47,202,961, A>G. VCF-style: chrX-47202961-A-G. GRCh37 (hg19) VCF-style: chrX-47062360-A-G.
Other names: c.1252A>G, p.Met418Val (NM_153280.3); short protein forms M418V.
Identifiers: ClinVar variation 2807885 (VCV002807885.3), dbSNP rs1936476971, ClinGen allele CA412796897.